The following is an entry in ClinVar:

NM_002485.5(NBN):c.1441G>A (p.Ala481Thr)

Gene: NBN (nibrin; minus strand). Cytogenetic location: 8q21.3.
Variant type: single nucleotide variant.
Coding change: c.1441G>A on transcript NM_002485.5 (MANE Select); coding-DNA position 1441, G replaced by A.
Protein change: p.Ala481Thr; replaces alanine 481 with threonine.
Molecular consequence: missense variant.
Genome position (GRCh38, 1-based): chr8:89,953,648, C>T on the plus strand (G>A on the coding strand, the complement: NBN is on the minus strand). VCF-style: chr8-89953648-C-T. GRCh37 (hg19) VCF-style: chr8-90965876-C-T.
Other names: c.1195G>A, p.Ala399Thr (NM_001024688.3); short protein forms A481T, A399T.
Identifiers: ClinVar variation 1772712 (VCV001772712.2), dbSNP rs2129703568, ClinGen allele CA371655842.

ClinVar aggregate classification (germline): Uncertain significance (1 of 4 stars; one submission).

Conditions:
Hereditary cancer-predisposing syndrome. Also called: Hereditary Cancer Syndrome; Hereditary neoplastic syndrome; Neoplastic Syndromes, Hereditary; Tumor predisposition. Identifiers: Orphanet 140162, MedGen C0027672, MeSH D009386, MONDO:0015356.

Submission:

Ambry Genetics
Classification: Uncertain significance for Hereditary cancer-predisposing syndrome. Last evaluated: 2022-02-08. Review status: criteria provided, single submitter. Criteria: Ambry Variant Classification Scheme 2023. Collection method: clinical testing. Allele origin: germline.
Comment: The p.A481T variant (also known as c.1441G>A), located in coding exon 11 of the NBN gene, results from a G to A substitution at nucleotide position 1441. The alanine at codon 481 is replaced by threonine, an amino acid with similar properties. This amino acid position is not well conserved in available vertebrate species. In addition, this alteration is predicted to be tolerated by in silico analysis. Since supporting evidence is limited at this time, the clinical significance of this alteration remains unclear.